The following is an entry in ClinVar:

ClinVar aggregate classification (germline): Uncertain significance (1 of 4 stars; one submission).

Conditions:
Hereditary cancer-predisposing syndrome. Also called: Tumor predisposition; Hereditary Cancer Syndrome; Hereditary neoplastic syndrome; Neoplastic Syndromes, Hereditary. Identifiers: Orphanet 140162, MedGen C0027672, MeSH D009386, MONDO:0015356.

Submission:

Ambry Genetics
Classification: Uncertain significance for Hereditary cancer-predisposing syndrome. Last evaluated: 2023-06-24. Review status: criteria provided, single submitter. Criteria: Ambry Variant Classification Scheme 2023. Collection method: clinical testing. Allele origin: germline.
Comment: The p.A1021P variant (also known as c.3061G>C), located in coding exon 4 of the MSH6 gene, results from a G to C substitution at nucleotide position 3061. The alanine at codon 1021 is replaced by proline, an amino acid with highly similar properties. This amino acid position is conserved. In addition, this alteration is predicted to be deleterious by in silico analysis. Since supporting evidence is limited at this time, the clinical significance of this alteration remains unclear.

NM_000179.3(MSH6):c.3061G>C (p.Ala1021Pro)

Gene: MSH6 (mutS homolog 6; plus strand). Cytogenetic location: 2p16.3.
Variant type: single nucleotide variant.
Coding change: c.3061G>C on transcript NM_000179.3 (MANE Select); coding-DNA position 3061, G replaced by C.
Protein change: p.Ala1021Pro; replaces alanine 1021 with proline.
Molecular consequence: missense variant. On other transcripts: non-coding transcript variant (5), intron variant (2).
Genome position (GRCh38, 1-based): chr2:47,801,044, G>C. VCF-style: chr2-47801044-G-C. GRCh37 (hg19) VCF-style: chr2-48028183-G-C.
Other names: c.2308+753G>C (NM_001406803.1); c.2536G>C, p.Ala846Pro (NM_001406799.1, NM_001406806.1, NM_001406807.1); c.3061G>C, p.Ala1021Pro (NM_001406800.1, NM_001406796.1, NM_001406798.1 and 2 more transcripts); c.2671G>C, p.Ala891Pro (NM_001281492.2); c.2764G>C, p.Ala922Pro (NM_001406801.1, NM_001406805.1, NM_001406797.1 and 10 more transcripts); c.2155G>C, p.Ala719Pro (NM_001281493.2, NM_001281494.2, NM_001406811.1 and 6 more transcripts); c.3157G>C, p.Ala1053Pro (NM_001406802.1, NM_001406795.1); c.2983G>C, p.Ala995Pro (NM_001406804.1); and 4 more; short protein forms A1023P, A891P, A965P, A1053P, A719P, A846P, A1021P, A995P.
Identifiers: ClinVar variation 2587325 (VCV002587325.2), dbSNP rs2104438316, ClinGen allele CA346756526.